The following is an entry in ClinVar:

ClinVar aggregate classification (germline): Likely pathogenic. Review status: criteria provided, multiple submitters, no conflicts (2 of 4 stars). 2 submissions from 2 submitters: Likely pathogenic (2). Last evaluated 2023-01-12.

Conditions:
OTOA-related disorder. Also called: OTOA-related condition.

Submissions (2):

PreventionGenetics, part of Exact Sciences
Classification: Likely pathogenic for OTOA-related condition. Last evaluated: 2023-01-12. Review status: criteria provided, single submitter. Criteria: ACMG Guidelines, 2015. Collection method: clinical testing. Allele origin: germline.
Comment: The OTOA c.2095_2096delAG variant is predicted to result in a frameshift and premature protein termination (p.Arg699Glyfs*23). To our knowledge, this variant has not been reported in the literature or in a large population database, indicating this variant is rare. Frameshift variants in OTOA are expected to be pathogenic. This variant is interpreted as likely pathogenic.

Blueprint Genetics
Classification: Likely pathogenic for OTOA-related disorders. Last evaluated: 2019-11-12. Review status: criteria provided, single submitter. Criteria: ACMG Guidelines, 2015. Collection method: clinical testing. Allele origin: germline. Affected: yes. Observed: 1 variant allele.

NM_144672.4(OTOA):c.2095_2096del (p.Arg699fs)

Gene: OTOA (otoancorin). Cytogenetic location: 16p12.2.
Variant type: Deletion.
Coding change: c.2095_2096del on transcript NM_144672.4 (MANE Select); coding-DNA positions 2095 to 2096, 2 bases deleted.
Protein change: p.Arg699fs; shifts the reading frame from arginine 699.
Molecular consequence: frameshift variant.
Genome position: GRCh38 VCF-style: chr16-21728318-CAG-C. GRCh37 (hg19) VCF-style: chr16-21739639-CAG-C.
Other names: c.1858_1859del, p.Arg620fs (NM_001161683.2); c.1123_1124del, p.Arg375fs (NM_170664.3); short protein forms R375fs, R620fs, R699fs.
Identifiers: ClinVar variation 2629632 (VCV002629632.2), dbSNP rs2507063979, ClinGen allele CA2695197448.